The following is an entry in ClinVar:

ClinVar aggregate classification (germline): Uncertain significance. Review status: criteria provided, multiple submitters, no conflicts (2 of 4 stars). 2 submissions from 2 submitters: Uncertain significance (2). Last evaluated 2026-01-26.

Conditions:
Inborn genetic diseases. Identifiers: MedGen C0950123, MeSH D030342.

Submissions (2):

Ambry Genetics
Classification: Uncertain significance for Inborn genetic diseases. Last evaluated: 2026-01-26. Review status: criteria provided, single submitter. Criteria: Ambry Variant Classification Scheme 2023. Collection method: clinical testing. Allele origin: germline.

GeneDx
Classification: Uncertain significance. Last evaluated: 2025-09-26. Review status: criteria provided, single submitter. Criteria: GeneDx Variant Classification Process June 2021. Collection method: clinical testing. Allele origin: germline. Affected: yes.
Comment: Not observed at significant frequency in large population cohorts (gnomAD); In silico analysis supports that this missense variant does not alter protein structure/function; Has not been previously published as pathogenic or benign to our knowledge

NM_001184880.2(PCDH19):c.643G>C (p.Asp215His)

Gene: PCDH19 (protocadherin 19; minus strand). Cytogenetic location: Xq22.1.
Variant type: single nucleotide variant.
Coding change: c.643G>C on transcript NM_001184880.2 (MANE Select); coding-DNA position 643, G replaced by C.
Protein change: p.Asp215His; replaces aspartic acid 215 with histidine.
Molecular consequence: missense variant.
Genome position (GRCh38, 1-based): chrX:100,407,955, C>G on the plus strand (G>C on the coding strand, the complement: PCDH19 is on the minus strand). VCF-style: chrX-100407955-C-G. GRCh37 (hg19) VCF-style: chrX-99662953-C-G.
Other names: c.643G>C, p.Asp215His (NM_001105243.2, NM_020766.3); short protein forms D215H.
Identifiers: ClinVar variation 3338755 (VCV003338755.3).